The following is an entry in ClinVar:

NM_005560.6(LAMA5):c.3808G>A (p.Ala1270Thr)

Gene: LAMA5 (laminin subunit alpha 5; minus strand). Cytogenetic location: 20q13.33.
Variant type: single nucleotide variant.
Coding change: c.3808G>A on transcript NM_005560.6 (MANE Select); coding-DNA position 3808, G replaced by A.
Protein change: p.Ala1270Thr; replaces alanine 1270 with threonine.
Molecular consequence: missense variant.
Genome position (GRCh38, 1-based): chr20:62,330,787, C>T on the plus strand (G>A on the coding strand, the complement: LAMA5 is on the minus strand). VCF-style: chr20-62330787-C-T. GRCh37 (hg19) VCF-style: chr20-60905843-C-T.
Other names: c.3808G>A (NM_005560.4); short protein forms A1270T.
Identifiers: ClinVar variation 4046006 (VCV004046006.2).
Genomic context (GRCh38, chr20:62,330,787, plus strand): 5'-AGACTATGGCCCTCACCTGGGGCTCACGCAGCAGGGTGGGCTCTGCATCAGGGTCCACAG[C>T]GGTGGGGGGCCGAGGTCGGGGTCCAGCTGGGGACATGGCTGGAGTGAGATCCTGCGCGTG-3'
Protein context (NP_005551.3, residues 1260-1280): PAGPRPRPPT[Ala1270Thr]VDPDAEPTLL

ClinVar aggregate classification (germline): Uncertain significance. Review status: criteria provided, multiple submitters, no conflicts (2 of 4 stars). 2 submissions from 2 submitters: Uncertain significance (2). Last evaluated 2025-03-27.

Conditions:
LAMA5-related disorder. Also called: LAMA5-Related Disorders; LAMA5-related condition.
Inborn genetic diseases. Identifiers: MedGen C0950123, MeSH D030342.

Submissions (2):

Ambry Genetics
Classification: Uncertain significance for Inborn genetic diseases. Last evaluated: 2025-03-27. Review status: criteria provided, single submitter. Criteria: Ambry Variant Classification Scheme 2023. Collection method: clinical testing. Allele origin: germline.

PreventionGenetics, part of Exact Sciences
Classification: Uncertain significance for LAMA5-related condition. Last evaluated: 2024-10-18. Review status: criteria provided, single submitter. Criteria: ACMG Guidelines, 2015. Collection method: clinical testing. Allele origin: germline.
Comment: The LAMA5 c.3808G>A variant is predicted to result in the amino acid substitution p.Ala1270Thr. To our knowledge, this variant has not been reported in the literature. This variant is reported in 0.0015% of alleles in individuals of European (Non-Finnish) descent in gnomAD. At this time, the clinical significance of this variant is uncertain due to the absence of conclusive functional and genetic evidence.